The following is an entry in ClinVar:

NM_000629.3(IFNAR1):c.93A>C (p.Lys31Asn)

Gene: IFNAR1 (interferon alpha and beta receptor subunit 1; plus strand). Cytogenetic location: 21q22.11.
Variant type: single nucleotide variant.
Coding change: c.93A>C on transcript NM_000629.3 (MANE Select); coding-DNA position 93, A replaced by C.
Protein change: p.Lys31Asn; replaces lysine 31 with asparagine.
Molecular consequence: missense variant. On other transcripts: 5 prime UTR variant (3).
Genome position (GRCh38, 1-based): chr21:33,335,540, A>C. VCF-style: chr21-33335540-A-C. GRCh37 (hg19) VCF-style: chr21-34707846-A-C.
Other names: c.93A>C, p.Lys31Asn (NM_001384498.1, NM_001384499.1, NM_001384501.1 and 1 more transcripts); c.-694A>C (NM_001384500.1); c.-291A>C (NM_001384502.1); c.-115A>C (NM_001384504.1); c.93A>C (NM_000629.2); short protein forms K31N.
Identifiers: ClinVar variation 1932077 (VCV001932077.3), dbSNP rs774975020, ClinGen allele CA10006386.
Genomic context (GRCh38, chr21:33,335,540, plus strand): 5'-GTACAGTTTGTATATAATGTTCTTATTTCTTGTTGCTTTTATAGGTGGAAAAAATCTAAA[A>C]TCTCCTCAAAAAGTAGAGGTCGACATCATAGATGACAACTTTATCCTGAGGTGGAACAGG-3'
Protein context (NP_000620.2, residues 21-41): LSAAAGGKNL[Lys31Asn]SPQKVEVDII

ClinVar aggregate classification (germline): Uncertain significance. Review status: criteria provided, multiple submitters, no conflicts (2 of 4 stars). 2 submissions from 2 submitters: Uncertain significance (2). Last evaluated 2024-12-02.

Allele frequency attached by ClinVar (database versions not stated): TOPMed below 0.00001; gnomAD 0.00001; ExAC 0.00004.
gnomAD v4.1: 61 of 1,594,302 alleles (0.0038%); highest among the groups gnomAD compares: Non-Finnish European, 0.0051%; no homozygotes.

Submissions (2):

Ambry Genetics
Classification: Uncertain significance. Last evaluated: 2024-12-02. Review status: criteria provided, single submitter. Criteria: Ambry Variant Classification Scheme 2023. Collection method: clinical testing. Allele origin: germline.

Labcorp Genetics (formerly Invitae), Labcorp
Classification: Uncertain significance. Last evaluated: 2022-05-12. Review status: criteria provided, single submitter. Criteria: Invitae Variant Classification Sherloc (09022015). Collection method: clinical testing. Allele origin: germline.
Comment: This sequence change replaces lysine, which is basic and polar, with asparagine, which is neutral and polar, at codon 31 of the IFNAR1 protein (p.Lys31Asn). This variant is present in population databases (rs774975020, gnomAD 0.007%). This variant has not been reported in the literature in individuals affected with IFNAR1-related conditions. Algorithms developed to predict the effect of missense changes on protein structure and function are either unavailable or do not agree on the potential impact of this missense change (SIFT: "Deleterious"; PolyPhen-2: "Benign"; Align-GVGD: "Class C0"). In summary, the available evidence is currently insufficient to determine the role of this variant in disease. Therefore, it has been classified as a Variant of Uncertain Significance.